The following is an entry in ClinVar:

NM_198428.3(BBS9):c.755C>T (p.Ser252Phe)

Gene: BBS9 (Bardet-Biedl syndrome 9; plus strand). Cytogenetic location: 7p14.3.
Variant type: single nucleotide variant.
Coding change: c.755C>T on transcript NM_198428.3 (MANE Select); coding-DNA position 755, C replaced by T.
Protein change: p.Ser252Phe; replaces serine 252 with phenylalanine.
Molecular consequence: missense variant. On other transcripts: non-coding transcript variant (3).
Genome position (GRCh38, 1-based): chr7:33,273,064, C>T. VCF-style: chr7-33273064-C-T. GRCh37 (hg19) VCF-style: chr7-33312676-C-T.
Other names: c.755C>T, p.Ser252Phe (NM_001033604.2, NM_001033605.2, NM_001348036.1 and 7 more transcripts); c.389C>T, p.Ser130Phe (NM_001348037.3, NM_001348044.3, NM_001348045.3 and 1 more transcripts); c.482C>T, p.Ser161Phe (NM_001348038.3, NM_001348039.3); c.620C>T, p.Ser207Phe (NM_001348042.3); short protein forms S130F, S161F, S207F, S252F.
Identifiers: ClinVar variation 1721521 (VCV001721521.3), dbSNP rs1382587192, ClinGen allele CA367254107.
Genomic context (GRCh38, chr7:33,273,064, plus strand): 5'-CTTTGTAGGTGGATTGGACTCTAAATATTGGAGAGCAAGCCCTTGACATATGTATTGTCT[C>T]TTTCAATCAGTCGGCATCCTCTGTTTTTGTTCTTGGTGAGAGAAACTTTTTTTGCCTTAA-3'
Protein context (NP_940820.1, residues 242-262): GEQALDICIV[Ser252Phe]FNQSASSVFV

ClinVar aggregate classification (germline): Uncertain significance (1 of 4 stars; one submission).

Conditions:
Bardet-Biedl syndrome (BBS). Identifiers: Orphanet 110, MedGen C0752166, MONDO:0015229.

Allele frequency attached by ClinVar (database versions not stated): gnomAD exomes below 0.00001; TOPMed below 0.00001; gnomAD 0.00001.
gnomAD v4.1: 4 of 1,613,420 alleles (0.00025%); highest among the groups gnomAD compares: South Asian, 0.0022%; no homozygotes.

Submission:

Labcorp Genetics (formerly Invitae), Labcorp
Classification: Uncertain significance for Bardet-Biedl syndrome. Last evaluated: 2022-10-13. Review status: criteria provided, single submitter. Criteria: Invitae Variant Classification Sherloc (09022015). Collection method: clinical testing. Allele origin: germline.
Comment: This sequence change replaces serine, which is neutral and polar, with phenylalanine, which is neutral and non-polar, at codon 252 of the BBS9 protein (p.Ser252Phe). This variant is not present in population databases (gnomAD no frequency). This variant has not been reported in the literature in individuals affected with BBS9-related conditions. Advanced modeling of protein sequence and biophysical properties (such as structural, functional, and spatial information, amino acid conservation, physicochemical variation, residue mobility, and thermodynamic stability) performed at Invitae indicates that this missense variant is expected to disrupt BBS9 protein function. In summary, the available evidence is currently insufficient to determine the role of this variant in disease. Therefore, it has been classified as a Variant of Uncertain Significance.